The following is an entry in ClinVar:

NM_002880.4(RAF1):c.1323G>C (p.Gln441His)

Gene: RAF1 (Raf-1 proto-oncogene, serine/threonine kinase; minus strand). Cytogenetic location: 3p25.2.
Variant type: single nucleotide variant.
Coding change: c.1323G>C on transcript NM_002880.4 (MANE Select); coding-DNA position 1323, G replaced by C.
Protein change: p.Gln441His; replaces glutamine 441 with histidine.
Molecular consequence: missense variant. On other transcripts: non-coding transcript variant (3).
Genome position (GRCh38, 1-based): chr3:12,590,845, C>G on the plus strand (G>C on the coding strand, the complement: RAF1 is on the minus strand). VCF-style: chr3-12590845-C-G. GRCh37 (hg19) VCF-style: chr3-12632344-C-G.
Other names: c.1383G>C, p.Gln461His (NM_001354689.3); c.1323G>C, p.Gln441His (NM_001354690.3); c.1080G>C, p.Gln360His (NM_001354691.3, NM_001354692.3); c.1224G>C, p.Gln408His (NM_001354693.3); c.1140G>C, p.Gln380His (NM_001354694.3); c.981G>C, p.Gln327His (NM_001354695.3); short protein forms Q327H, Q360H, Q380H, Q408H, Q441H, Q461H.
Identifiers: ClinVar variation 1059251 (VCV001059251.9), dbSNP rs1131691942, ClinGen allele CA351501860.
Genomic context (GRCh38, chr3:12,590,845, plus strand): 5'-ACCATCTACTCACTCCATTCCCTGAGCCGTCTGCCGGGCAATGTCAATTAGCTGGAACAT[C>G]TGAAACTTGGTCTCCTGGACATGCAGGTGTTTGTAGAGGCTGCTGCCCTCGCACCACTGG-3'
Protein context (NP_002871.1, residues 431-451): KHLHVQETKF[Gln441His]MFQLIDIARQ

ClinVar aggregate classification (germline): Uncertain significance (1 of 4 stars; one submission).

Conditions:
RASopathy. Also called: rasopathies; Noonan spectrum disorder. Identifiers: Orphanet 536391, MedGen C5555857, MONDO:0021060.

Submission:

Labcorp Genetics (formerly Invitae), Labcorp
Classification: Uncertain significance for RASopathy. Last evaluated: 2022-06-27. Review status: criteria provided, single submitter. Criteria: Invitae Variant Classification Sherloc (09022015). Collection method: clinical testing. Allele origin: germline.
Comment: This sequence change replaces glutamine, which is neutral and polar, with histidine, which is basic and polar, at codon 441 of the RAF1 protein (p.Gln441His). In summary, the available evidence is currently insufficient to determine the role of this variant in disease. Therefore, it has been classified as a Variant of Uncertain Significance. Advanced modeling of protein sequence and biophysical properties (such as structural, functional, and spatial information, amino acid conservation, physicochemical variation, residue mobility, and thermodynamic stability) performed at Invitae indicates that this missense variant is expected to disrupt RAF1 protein function. ClinVar contains an entry for this variant (Variation ID: 1059251). This variant has not been reported in the literature in individuals affected with RAF1-related conditions. This variant is not present in population databases (gnomAD no frequency).